The following is an entry in ClinVar:

ClinVar aggregate classification (germline): Uncertain significance (1 of 4 stars; one submission).

Conditions:
Retinoblastoma (RB1). Also called: RETINOBLASTOMA, SOMATIC. Identifiers: Orphanet 790, MedGen C0035335, MeSH D012175, MONDO:0008380, OMIM 180200, HP:0009919. Disease mechanism: loss of function. Inheritance: Both sporadic and heritable forms are tested..

Submission:

Labcorp Genetics (formerly Invitae), Labcorp
Classification: Uncertain significance for Retinoblastoma. Last evaluated: 2023-06-24. Review status: criteria provided, single submitter. Criteria: Invitae Variant Classification Sherloc (09022015). Collection method: clinical testing. Allele origin: germline.
Comment: In summary, the available evidence is currently insufficient to determine the role of this variant in disease. Therefore, it has been classified as a Variant of Uncertain Significance. Advanced modeling of protein sequence and biophysical properties (such as structural, functional, and spatial information, amino acid conservation, physicochemical variation, residue mobility, and thermodynamic stability) performed at Invitae indicates that this missense variant is not expected to disrupt RB1 protein function. ClinVar contains an entry for this variant (Variation ID: 947416). This variant has not been reported in the literature in individuals affected with RB1-related conditions. This variant is not present in population databases (gnomAD no frequency). This sequence change replaces arginine, which is basic and polar, with serine, which is neutral and polar, at codon 741 of the RB1 protein (p.Arg741Ser).

NM_000321.3(RB1):c.2221C>A (p.Arg741Ser)

Gene: RB1 (RB transcriptional corepressor 1; plus strand). Cytogenetic location: 13q14.2.
Variant type: single nucleotide variant.
Coding change: c.2221C>A on transcript NM_000321.3 (MANE Select); coding-DNA position 2221, C replaced by A.
Protein change: p.Arg741Ser; replaces arginine 741 with serine.
Molecular consequence: missense variant.
Genome position (GRCh38, 1-based): chr13:48,465,007, C>A. VCF-style: chr13-48465007-C-A. GRCh37 (hg19) VCF-style: chr13-49039143-C-A.
Other names: short protein forms R741S.
Identifiers: ClinVar variation 947416 (VCV000947416.9), dbSNP rs529366765, ClinGen allele CA388167483.
Genomic context (GRCh38, chr13:48,465,007, plus strand): 5'-AGTAAATTTTACTTTTTTTTTTTTTTTTTTTTTTTTACTGTTCTTCCTCAGACATTCAAA[C>A]GTGTTTTGATCAAAGAAGAGGAGTATGATTCTATTATAGTATTCTATAACTCGGTCTTCA-3'
Protein context (NP_000312.2, residues 731-751): LPHAVQETFK[Arg741Ser]VLIKEEEYDS